The following is an entry in ClinVar:

ClinVar aggregate classification (germline): Uncertain significance (1 of 4 stars; one submission).

Conditions:
Cardiomyopathy (CMYO). Also called: Cardiomyopathies. Identifiers: Orphanet 167848, MedGen C0878544, MONDO:0004994, HP:0001638. Inheritance: Various modes of inheritance.

Submission:

Color Diagnostics, LLC DBA Color Health
Classification: Uncertain significance for Cardiomyopathy. Last evaluated: 2024-03-07. Review status: criteria provided, single submitter. Criteria: ACMG Guidelines, 2015. Collection method: clinical testing. Allele origin: germline.
Comment: This missense variant replaces methionine with threonine at codon 62 of the DSP protein. Computational prediction suggests that this variant may not impact protein structure and function (internally defined REVEL score threshold <= 0.5, PMID: 27666373). To our knowledge, functional studies have not been reported for this variant. This variant has not been reported in individuals affected with cardiovascular disorders in the literature. This variant has not been identified in the general population by the Genome Aggregation Database (gnomAD). The available evidence is insufficient to determine the role of this variant in disease conclusively. Therefore, this variant is classified as a Variant of Uncertain Significance.

NM_004415.4(DSP):c.185T>C (p.Met62Thr)

Gene: DSP (desmoplakin; plus strand). Cytogenetic location: 6p24.3.
Variant type: single nucleotide variant.
Coding change: c.185T>C on transcript NM_004415.4 (MANE Select); coding-DNA position 185, T replaced by C.
Protein change: p.Met62Thr; replaces methionine 62 with threonine.
Molecular consequence: missense variant.
Genome position (GRCh38, 1-based): chr6:7,555,732, T>C. VCF-style: chr6-7555732-T-C. GRCh37 (hg19) VCF-style: chr6-7555965-T-C.
Other names: c.185T>C, p.Met62Thr (NM_001008844.3, NM_001319034.2); short protein forms M62T.
Identifiers: ClinVar variation 921503 (VCV000921503.4), dbSNP rs1758488043, ClinGen allele CA362670621.